The following is an entry in ClinVar:

NM_001352913.2(PPP2R5C):c.103G>T (p.Val35Phe)

Gene: PPP2R5C (protein phosphatase 2 regulatory subunit B'gamma; plus strand). Cytogenetic location: 14q32.31.
Variant type: single nucleotide variant.
Coding change: c.103G>T on transcript NM_001352913.2 (MANE Select); coding-DNA position 103, G replaced by T.
Protein change: p.Val35Phe; replaces valine 35 with phenylalanine.
Molecular consequence: missense variant. On other transcripts: intron variant (2).
Genome position (GRCh38, 1-based): chr14:101,786,027, G>T. VCF-style: chr14-101786027-G-T. GRCh37 (hg19) VCF-style: chr14-102252364-G-T.
Other names: c.103G>T, p.Val35Phe (NM_001161726.2); c.118G>T, p.Val40Phe (NM_001352914.2); c.93+23057G>T (NM_001161725.2); c.-132+23057G>T (NM_001352915.2); short protein forms V35F, V40F.
Identifiers: ClinVar variation 4885815 (VCV004885815.2).

ClinVar aggregate classification (germline): Uncertain significance (1 of 4 stars; one submission).

gnomAD v4.1: 2 of 1,521,452 alleles (0.00013%); highest among the groups gnomAD compares: African/African-American, 0.0014%; no homozygotes.

Submission:

Dasa
Classification: Uncertain significance. Last evaluated: 2025-11-25. Review status: criteria provided, single submitter. Criteria: DASA Assertion Criteria. Collection method: clinical testing. Allele origin: germline.
Comment: NM_001352913.2(PPP2R5C):c.103G>T (p.Val35Phe) is a missense variant that results in the substitution of valine with phenylalanine. This variant is rare in population databases. Computational prediction algorithms are consistent with a benign effect. The currently available literature and clinical evidence are not sufficient to establish a definitive association between this variant and the reported condition. Therefore, this variant is classified as a variant of uncertain significance.